The following is an entry in ClinVar:

ClinVar aggregate classification (germline): Likely benign (0 of 4 stars; one submission).

Conditions:
NRP2-related disorder. Also called: NRP2-related condition.

gnomAD v4.1: 98 of 1,614,060 alleles (0.0061%); highest among the groups gnomAD compares: Middle Eastern, 0.016%; no homozygotes.

Submission:

PreventionGenetics, part of Exact Sciences
Classification: Likely benign for NRP2-related condition. Last evaluated: 2022-02-28. Review status: no assertion criteria provided. Collection method: clinical testing. Allele origin: germline.
Comment: This variant is classified as likely benign based on ACMG/AMP sequence variant interpretation guidelines (Richards et al. 2015 PMID: 25741868, with internal and published modifications).

NM_003872.3(NRP2):c.1594G>A (p.Gly532Ser)

Gene: NRP2 (neuropilin 2; plus strand). Cytogenetic location: 2q33.3.
Variant type: single nucleotide variant.
Coding change: c.1594G>A on transcript NM_003872.3 (MANE Select); coding-DNA position 1594, G replaced by A.
Protein change: p.Gly532Ser; replaces glycine 532 with serine.
Molecular consequence: missense variant.
Genome position (GRCh38, 1-based): chr2:205,743,505, G>A. VCF-style: chr2-205743505-G-A. GRCh37 (hg19) VCF-style: chr2-206608229-G-A.
Other names: c.1594G>A, p.Gly532Ser (NM_018534.4, NM_201264.2, NM_201266.2 and 2 more transcripts); short protein forms G532S.
Identifiers: ClinVar variation 3351520 (VCV003351520.1).